The following is an entry in ClinVar:

NM_024529.5(CDC73):c.474G>T (p.Glu158Asp)

Gene: CDC73 (cell division cycle 73; plus strand). Cytogenetic location: 1q31.2.
Variant type: single nucleotide variant.
Coding change: c.474G>T on transcript NM_024529.5 (MANE Select); coding-DNA position 474, G replaced by T.
Protein change: p.Glu158Asp; replaces glutamic acid 158 with aspartic acid.
Molecular consequence: missense variant.
Genome position (GRCh38, 1-based): chr1:193,138,135, G>T. VCF-style: chr1-193138135-G-T. GRCh37 (hg19) VCF-style: chr1-193107265-G-T.
Other names: short protein forms E158D.
Identifiers: ClinVar variation 4742828 (VCV004742828.1).
Genomic context (GRCh38, chr1:193,138,135, plus strand): 5'-TTATTTCCAGGATGAAGAGTGTGTGCGCCTTGATAAAGAGAGATTGGCTGCCCGTTTGGA[G>T]GGTCACAAAGAAGGGATTGTACAGACTGAACAGATTAGGTAAGAATTCTTTTTAAGTAGA-3'
Protein context (NP_078805.3, residues 148-168): LDKERLAARL[Glu158Asp]GHKEGIVQTE

ClinVar aggregate classification (germline): Uncertain significance (1 of 4 stars; one submission).

Conditions:
Parathyroid carcinoma (PRTC). Also called: Parathyroid gland carcinoma; CDC73-Related Parathyroid Carcinoma. Identifiers: Orphanet 143, MedGen C0687150, MONDO:0012004, OMIM 608266, HP:0006780.

Submission:

Labcorp Genetics (formerly Invitae), Labcorp
Classification: Uncertain significance for Parathyroid carcinoma. Last evaluated: 2025-11-21. Review status: criteria provided, single submitter. Criteria: Invitae Variant Classification Sherloc (09022015). Collection method: clinical testing. Allele origin: germline.
Comment: This sequence change replaces glutamic acid, which is acidic and polar, with aspartic acid, which is acidic and polar, at codon 158 of the CDC73 protein (p.Glu158Asp). This variant is not present in population databases (gnomAD no frequency). This variant has not been reported in the literature in individuals affected with CDC73-related conditions. Invitae Evidence Modeling of protein sequence and biophysical properties (such as structural, functional, and spatial information, amino acid conservation, physicochemical variation, residue mobility, and thermodynamic stability) indicates that this missense variant is not expected to disrupt CDC73 protein function with a negative predictive value of 80%. In summary, the available evidence is currently insufficient to determine the role of this variant in disease. Therefore, it has been classified as a Variant of Uncertain Significance.